The following is an entry in ClinVar:

ClinVar aggregate classification (germline): Uncertain significance (1 of 4 stars; one submission).

Conditions:
HYPERHOMOCYSTEINEMIA, THROMBOTIC, CBS-RELATED. Identifiers: MedGen C3150344, OMIM 236200.

Submission:

Labcorp Genetics (formerly Invitae), Labcorp
Classification: Uncertain significance for HYPERHOMOCYSTEINEMIA, THROMBOTIC, CBS-RELATED. Last evaluated: 2021-08-27. Review status: criteria provided, single submitter. Criteria: Invitae Variant Classification Sherloc (09022015). Collection method: clinical testing. Allele origin: germline.
Comment: This sequence change replaces methionine with arginine at codon 505 of the CBS protein (p.Met505Arg). The methionine residue is weakly conserved and there is a moderate physicochemical difference between methionine and arginine. This variant is not present in population databases (ExAC no frequency). This variant has not been reported in the literature in individuals affected with CBS-related conditions. Algorithms developed to predict the effect of missense changes on protein structure and function (SIFT, PolyPhen-2, Align-GVGD) all suggest that this variant is likely to be tolerated. In summary, the available evidence is currently insufficient to determine the role of this variant in disease. Therefore, it has been classified as a Variant of Uncertain Significance.

NM_000071.3(CBS):c.1514T>G (p.Met505Arg)

Gene: CBS (cystathionine beta-synthase; minus strand). Cytogenetic location: 21q22.3.
Variant type: single nucleotide variant.
Coding change: c.1514T>G on transcript NM_000071.3 (MANE Select); coding-DNA position 1514, T replaced by G.
Protein change: p.Met505Arg; replaces methionine 505 with arginine.
Molecular consequence: missense variant.
Genome position (GRCh38, 1-based): chr21:43,056,841, A>C on the plus strand (T>G on the coding strand, the complement: CBS is on the minus strand). VCF-style: chr21-43056841-A-C. GRCh37 (hg19) VCF-style: chr21-44476951-A-C.
Other names: c.1514T>G, p.Met505Arg (NM_001178008.3, NM_001178009.3, NM_001320298.2); c.1199T>G, p.Met400Arg (NM_001321072.1); short protein forms M400R, M505R.
Identifiers: ClinVar variation 1056386 (VCV001056386.7), dbSNP rs1981234989, ClinGen allele CA410395706.
Genomic context (GRCh38, chr21:43,056,841, plus strand): 5'-CACAGAGCAGGGCCCCACTCACACTGGATCTGCTCGTGCACCACCAGGGCGAAGTGGTCC[A>C]TCTCCAGGATGTGCGAGAGCCTGCCCAGCGTGTCCGTGAGGCGGATCTGCAAGGGAAGCG-3'
Protein context (NP_000062.1, residues 495-515): TLGRLSHILE[Met505Arg]DHFALVVHEQ